The following is an entry in ClinVar:

ClinVar aggregate classification (germline): Likely benign. Review status: criteria provided, multiple submitters, no conflicts (2 of 4 stars). 2 submissions from 2 submitters: Likely benign (2). Last evaluated 2025-10-30.

Conditions:
Inborn genetic diseases. Identifiers: MedGen C0950123, MeSH D030342.
MAP1B-related disorder. Also called: MAP1B-related condition.

Allele frequency attached by ClinVar (database versions not stated): TOPMed 0.00001; ExAC 0.00006; gnomAD 0.00009; 1000 Genomes Project 0.00040; 1000 Genomes Project 30x 0.00047.

Submissions (2):

PreventionGenetics, part of Exact Sciences
Classification: Likely benign for MAP1B-related condition. Last evaluated: 2025-10-30. Review status: criteria provided, single submitter. Criteria: ACMG Guidelines, 2015. Collection method: clinical testing. Allele origin: germline.
Comment: This variant is classified as likely benign based on ACMG/AMP sequence variant interpretation guidelines (Richards et al. 2015 PMID: 25741868, with internal and published modifications).

Ambry Genetics
Classification: Likely benign for Inborn genetic diseases. Last evaluated: 2023-03-07. Review status: criteria provided, single submitter. Criteria: Ambry Variant Classification Scheme 2023. Collection method: clinical testing. Allele origin: germline.

NM_005909.5(MAP1B):c.3770C>T (p.Pro1257Leu)

Gene: MAP1B (microtubule associated protein 1B; plus strand). Cytogenetic location: 5q13.2.
Variant type: single nucleotide variant.
Coding change: c.3770C>T on transcript NM_005909.5 (MANE Select); coding-DNA position 3770, C replaced by T.
Protein change: p.Pro1257Leu; replaces proline 1257 with leucine.
Molecular consequence: missense variant.
Genome position (GRCh38, 1-based): chr5:72,197,125, C>T. VCF-style: chr5-72197125-C-T. GRCh37 (hg19) VCF-style: chr5-71492952-C-T.
Other names: c.3392C>T, p.Pro1131Leu (NM_001324255.2); c.3770C>T (NM_005909.4); short protein forms P1257L, P1131L.
Identifiers: ClinVar variation 3122709 (VCV003122709.2), dbSNP rs369940458, ClinGen allele CA3299034.